The following is an entry in ClinVar:

ClinVar aggregate classification (germline): Likely pathogenic (1 of 4 stars; one submission).

Submission:

GeneDx
Classification: Likely pathogenic. Last evaluated: 2026-08-10. Review status: criteria provided, single submitter. Criteria: GeneDx Variant Classification Process June 2021. Collection method: clinical testing. Allele origin: germline.
Comment: Not observed at significant frequency in large population cohorts (gnomAD); In silico analysis supports that this missense variant has a deleterious effect on protein structure/function; Has not been previously published as pathogenic or benign to our knowledge; This variant is associated with the following publications: (PMID: 16053902)

NM_014795.4(ZEB2):c.685C>T (p.His229Tyr)

Gene: ZEB2 (zinc finger E-box binding homeobox 2; minus strand). Cytogenetic location: 2q22.3.
Variant type: single nucleotide variant.
Coding change: c.685C>T on transcript NM_014795.4 (MANE Select); coding-DNA position 685, C replaced by T.
Protein change: p.His229Tyr; replaces histidine 229 with tyrosine.
Molecular consequence: missense variant.
Genome position (GRCh38, 1-based): chr2:144,404,038, G>A on the plus strand (C>T on the coding strand, the complement: ZEB2 is on the minus strand). VCF-style: chr2-144404038-G-A. GRCh37 (hg19) VCF-style: chr2-145161605-G-A.
Other names: c.613C>T, p.His205Tyr (NM_001171653.2); short protein forms H205Y, H229Y.
Identifiers: ClinVar variation 1702633 (VCV001702633.3), dbSNP rs2149879223, ClinGen allele CA348714831.